The following is an entry in ClinVar:

NM_182931.3(KMT2E):c.768G>C (p.Lys256Asn)

Gene: KMT2E (lysine methyltransferase 2E (inactive); plus strand). Cytogenetic location: 7q22.3.
Variant type: single nucleotide variant.
Coding change: c.768G>C on transcript NM_182931.3 (MANE Select); coding-DNA position 768, G replaced by C.
Protein change: p.Lys256Asn; replaces lysine 256 with asparagine.
Molecular consequence: missense variant.
Genome position (GRCh38, 1-based): chr7:105,076,081, G>C. VCF-style: chr7-105076081-G-C. GRCh37 (hg19) VCF-style: chr7-104716528-G-C.
Other names: c.768G>C, p.Lys256Asn (NM_001410908.1, NM_018682.4); short protein forms K256N.
Identifiers: ClinVar variation 4088078 (VCV004088078.1).

ClinVar aggregate classification (germline): Uncertain significance (1 of 4 stars; one submission).

Submission:

GeneDx
Classification: Uncertain significance. Last evaluated: 2025-03-25. Review status: criteria provided, single submitter. Criteria: GeneDx Variant Classification Process June 2021. Collection method: clinical testing. Allele origin: germline. Affected: yes.
Comment: Not observed at significant frequency in large population cohorts (gnomAD); In silico analysis supports that this missense variant has a deleterious effect on protein structure/function; Has not been previously published as pathogenic or benign to our knowledge